The following is an entry in ClinVar:

ClinVar aggregate classification (germline): Benign. Review status: criteria provided, multiple submitters, no conflicts (2 of 4 stars). 2 submissions from 2 submitters: Benign (2). Last evaluated 2018-01-12.

Conditions:
Holoprosencephaly 11 (HPE11). Identifiers: Orphanet 2162, MedGen C3280215, MONDO:0013642, OMIM 614226.

Allele frequency attached by ClinVar (database versions not stated): TOPMed 0.25019; gnomAD 0.25442; 1000 Genomes Project 30x 0.23860; 1000 Genomes Project 0.24022.
gnomAD v4.1: 296,198 of 977,810 alleles (30%); highest among the groups gnomAD compares: Non-Finnish European, 32%; 46,021 homozygotes.

Submissions (2):

Illumina Laboratory Services, Illumina
Classification: Benign for Holoprosencephaly 11. Last evaluated: 2018-01-12. Review status: criteria provided, single submitter. Criteria: ICSL Variant Classification Criteria 13 December 2019. Collection method: clinical testing. Allele origin: germline.
Comment: This variant was observed in the ICSL laboratory as part of a predisposition screen in an ostensibly healthy population. It had not been previously curated by ICSL or reported in the Human Gene Mutation Database (HGMD: prior to June 1st, 2018), and was therefore a candidate for classification through an automated scoring system. Utilizing variant allele frequency, disease prevalence and penetrance estimates, and inheritance mode, an automated score was calculated to assess if this variant is too frequent to cause the disease. Based on the score and internal cut-off values, a variant classified as benign is not then subjected to further curation. The score for this variant resulted in a classification of benign for this disease.

Breakthrough Genomics
Classification: Benign. Review status: criteria provided, single submitter. Criteria: ACMG Guidelines, 2015. Collection method: not provided. Allele origin: germline. Inheritance: Autosomal dominant inheritance. Affected: yes.

NM_001378964.1(CDON):c.*4052C>T

Gene: CDON (cell adhesion associated, oncogene regulated; minus strand). Cytogenetic location: 11q24.2.
Variant type: single nucleotide variant.
Coding change: c.*4052C>T on transcript NM_001378964.1 (MANE Select); 4052 bases downstream of the stop codon, C replaced by T.
Molecular consequence: 3 prime UTR variant.
Genome position (GRCh38, 1-based): chr11:125,956,890, G>A on the plus strand (C>T on the coding strand, the complement: CDON is on the minus strand). VCF-style: chr11-125956890-G-A. GRCh37 (hg19) VCF-style: chr11-125826785-G-A.
Other names: c.*4052C>T (NM_001243597.3, NM_016952.6).
Identifiers: ClinVar variation 303374 (VCV000303374.6), dbSNP rs3039, ClinGen allele CA10638267.